The following is an entry in ClinVar:

ClinVar aggregate classification (germline): Uncertain significance. Review status: criteria provided, multiple submitters, no conflicts (2 of 4 stars). 6 submissions from 6 submitters: Uncertain significance (5). 1 of the submissions does not count toward it. Last evaluated 2026-06-01.

Conditions:
Hereditary cancer-predisposing syndrome. Also called: Neoplastic Syndromes, Hereditary; Tumor predisposition; Hereditary neoplastic syndrome; Hereditary Cancer Syndrome. Identifiers: Orphanet 140162, MedGen C0027672, MeSH D009386, MONDO:0015356.
Familial cancer of breast. Also called: Hereditary breast cancer; hereditary breast carcinoma; BREAST CANCER, FAMILIAL. Identifiers: Orphanet 227535, MedGen C0346153, MONDO:0016419, OMIM 114480. Disease mechanism: loss of function.

Allele frequency attached by ClinVar (database versions not stated): gnomAD exomes below 0.00001.
gnomAD v4.1: 1 of 1,614,088 alleles (0.000062%); highest among the groups gnomAD compares: Non-Finnish European, 0.000085%; no homozygotes.

Submissions (6):

Women's Health and Genetics/Laboratory Corporation of America, LabCorp
Classification: Uncertain significance. Last evaluated: 2026-06-01. Review status: criteria provided, single submitter. Criteria: LabCorp Variant Classification Summary - May 2015. Collection method: clinical testing. Allele origin: germline.
Comment: Variant summary: PALB2 c.83A>G (p.Tyr28Cys) results in a non-conservative amino acid change in the encoded protein sequence. Algorithms developed to predict the effect of missense changes on protein structure and function are either unavailable or do not agree on the potential impact of this missense change. The variant was absent in 251478 control chromosomes. c.83A>G has been observed in individual(s) affected with PALB2-related conditions (Ding_2011). These report(s) do not provide unequivocal conclusions about association of the variant with disease. Multiple publications report experimental evidence evaluating an impact on protein function (Foo_2017, Boonen_2019, Rodrigue_2019, Wiltshire_2020, Brnich_2021). The most pronounced variant effect results in impaired homologous recombination activity and interaction with BRCA1. The following publications have been ascertained in the context of this evaluation (PMID: 31757951, 33964450, 20927582, 28319063, 31586400, 31636395). ClinVar contains an entry for this variant (Variation ID: 126774). Based on the evidence outlined above, the variant was classified as VUS-possibly pathogenic.

Labcorp Genetics (formerly Invitae), Labcorp
Classification: Uncertain significance for Familial cancer of breast. Last evaluated: 2025-12-22. Review status: criteria provided, single submitter. Criteria: Invitae Variant Classification Sherloc (09022015). Collection method: clinical testing. Allele origin: germline.
Comment: This sequence change replaces tyrosine, which is neutral and polar, with cysteine, which is neutral and slightly polar, at codon 28 of the PALB2 protein (p.Tyr28Cys). This variant is not present in population databases (gnomAD no frequency). This missense change has been observed in individual(s) with breast cancer (PMID: 20927582). ClinVar contains an entry for this variant (Variation ID: 126774). An algorithm developed to predict the effect of missense changes on protein structure and function (PolyPhen-2) suggests that this variant is likely to be disruptive. Experimental studies have shown that this missense change affects PALB2 function (PMID: 28319063, 31586400, 31757951, 33139182). In summary, the available evidence is currently insufficient to determine the role of this variant in disease. Therefore, it has been classified as a Variant of Uncertain Significance.

Baylor Genetics
Classification: Uncertain significance for Familial cancer of breast. Last evaluated: 2023-10-30. Review status: criteria provided, single submitter. Criteria: ACMG Guidelines, 2015. Collection method: clinical testing. Allele origin: unknown.

Ambry Genetics
Classification: Uncertain significance for Hereditary cancer-predisposing syndrome. Last evaluated: 2023-06-08. Review status: criteria provided, single submitter. Criteria: Ambry Variant Classification Scheme 2023. Collection method: clinical testing. Allele origin: germline.
Comment: The p.Y28C variant (also known as c.83A>G), located in coding exon 2 of the PALB2 gene, results from an A to G substitution at nucleotide position 83. The tyrosine at codon 28 is replaced by cysteine, an amino acid with highly dissimilar properties. Multiple functional studies have shown that this variant disrupts the interaction between PALB2 and BRCA1 (Rodrigue A et al. Nucleic Acids Res., 2019 11;47:10662-10677; Foo TK et al. Oncogene, 2017 07;36:4161-4170) but are equivocal regarding this variant's ability to disrupt DNA repair (Rodrigue A et al. Nucleic Acids Res., 2019 11;47:10662-10677; Boonen RACM et al. Nat Commun, 2019 11;10:5296; Foo TK et al. Oncogene, 2017 07;36:4161-4170; Wiltshire T et al. Genet Med, 2020 03;22:622-632; Brnich SE et al. J Mol Diagn, 2021 07;23:847-864). Studies investigating sensitivity of cells to DNA damaging agents are also equivocal about this variant's ability to confer sensitivity (Boonen RACM et al. Nat Commun, 2019 11;10:5296; Foo TK et al. Oncogene, 2017 07;36:4161-4170; Rodrigue A et al. Nucleic Acids Res., 2019 11;47:10662-10677). This amino acid position is highly conserved in available vertebrate species. In addition, the in silico prediction for this alteration is inconclusive. Since supporting evidence is limited at this time, the clinical significance of this alteration remains unclear.

Color Diagnostics, LLC DBA Color Health
Classification: Uncertain significance for Hereditary cancer-predisposing syndrome. Last evaluated: 2018-08-31. Review status: criteria provided, single submitter. Criteria: ACMG Guidelines, 2015. Collection method: clinical testing. Allele origin: germline.

Leiden Open Variation Database
Classification: Uncertain significance for Familial cancer of breast. Last evaluated: 2019-05-13. Review status: no assertion criteria provided. Collection method: curation. Allele origin: germline. Affected: yes. Not counted in ClinVar's aggregate classification.
Comment: Curators: Marc Tischkowitz, Arleen D. Auerbach. Submitter to LOVD: Marc Tischkowitz.

Literature cited by the submitters: PubMed 20927582 (cited by 4 submitters); PubMed 28319063 (cited by 3 submitters); PubMed 31586400 (cited by 3 submitters); PubMed 31636395 (cited by Women's Health and Genetics/Laboratory Corporation of America, LabCorp and Ambry Genetics); PubMed 31757951 (cited by 3 submitters); PubMed 33964450 (cited by Women's Health and Genetics/Laboratory Corporation of America, LabCorp and Ambry Genetics); PubMed 33139182 (cited by Labcorp Genetics (formerly Invitae), Labcorp).

NM_024675.4(PALB2):c.83A>G (p.Tyr28Cys)

Gene: PALB2 (partner and localizer of BRCA2; minus strand). Cytogenetic location: 16p12.2.
Variant type: single nucleotide variant.
Coding change: c.83A>G on transcript NM_024675.4 (MANE Select); coding-DNA position 83, A replaced by G.
Protein change: p.Tyr28Cys; replaces tyrosine 28 with cysteine.
Molecular consequence: missense variant.
Genome position (GRCh38, 1-based): chr16:23,638,095, T>C on the plus strand (A>G on the coding strand, the complement: PALB2 is on the minus strand). VCF-style: chr16-23638095-T-C. GRCh37 (hg19) VCF-style: chr16-23649416-T-C.
Other names: short protein forms Y28C.
Identifiers: ClinVar variation 126774 (VCV000126774.20), dbSNP rs515726129, ClinGen allele CA269654.